The following is an entry in ClinVar:

NM_014141.6(CNTNAP2):c.3716-2A>G

Gene: CNTNAP2 (contactin associated protein 2; plus strand). Cytogenetic location: 7q36.1.
Variant type: single nucleotide variant.
Coding change: c.3716-2A>G on transcript NM_014141.6 (MANE Select); the canonical splice acceptor site of the intron before coding-DNA position 3716, A replaced by G.
Molecular consequence: splice acceptor variant.
Genome position (GRCh38, 1-based): chr7:148,409,389, A>G. VCF-style: chr7-148409389-A-G. GRCh37 (hg19) VCF-style: chr7-148106481-A-G.
Identifiers: ClinVar variation 1494963 (VCV001494963.9), dbSNP rs746894028, ClinGen allele CA4546773.
Genomic context (GRCh38, chr7:148,409,389, plus strand): 5'-TCAAATTATTTGGGATCAATAGTATACTTGACTCTGACACTTGACTCTTTCTTTCTCTAC[A>G]GCCAGTGCGGATTTTCCATATAATCCAGGACAAGGCCAAGCTATAAGAAATGGAGTCAAC-3'

ClinVar aggregate classification (germline): Conflicting classifications of pathogenicity. Review status: criteria provided, conflicting classifications (1 of 4 stars). 3 submissions from 3 submitters: Likely pathogenic (2); Uncertain significance (1). Last evaluated 2025-12-05.

Conditions:
Cortical dysplasia-focal epilepsy syndrome (PTHSL1). Also called: Pitt-Hopkins-like syndrome 1. Identifiers: Orphanet 163681, Orphanet 221150, MedGen C2750246, MONDO:0012400, OMIM 610042.
Autism, susceptibility to, 15. Also called: Autism susceptibility 15. Identifiers: MedGen C2677504, MONDO:0012801, OMIM 612100.

Allele frequency attached by ClinVar (database versions not stated): gnomAD exomes below 0.00001 and 0.00002; ExAC 0.00001; TOPMed 0.00002; gnomAD 0.00005 and 0.00006.
gnomAD v4.1: 10 of 1,567,960 alleles (0.00064%); highest among the groups gnomAD compares: African/African-American, 0.016%; no homozygotes.

Submissions (3):

Labcorp Genetics (formerly Invitae), Labcorp
Classification: Likely pathogenic for Cortical dysplasia-focal epilepsy syndrome. Last evaluated: 2025-12-05. Review status: criteria provided, single submitter. Criteria: Invitae Variant Classification Sherloc (09022015). Collection method: clinical testing. Allele origin: germline.
Comment: This sequence change affects an acceptor splice site in intron 22 of the CNTNAP2 gene. It is expected to disrupt RNA splicing. Variants that disrupt the donor or acceptor splice site typically lead to a loss of protein function (PMID: 16199547), and loss-of-function variants in CNTNAP2 are known to be pathogenic (PMID: 19896112, 21827697, 25045150, 26843181, 27439707). The frequency data for this variant in the population databases is considered unreliable, as metrics indicate poor data quality at this position in the gnomAD database. This variant has not been reported in the literature in individuals affected with CNTNAP2-related conditions. ClinVar contains an entry for this variant (Variation ID: 1494963). Algorithms developed to predict the effect of sequence changes on RNA splicing suggest that this variant may disrupt the consensus splice site. In summary, the currently available evidence indicates that the variant is pathogenic, but additional data are needed to prove that conclusively. Therefore, this variant has been classified as Likely Pathogenic.

Fulgent Genetics
Classification: Likely pathogenic for Cortical dysplasia-focal epilepsy syndrome; Autism, susceptibility to, 15. Last evaluated: 2024-05-07. Review status: criteria provided, single submitter. Criteria: ACMG Guidelines, 2015. Collection method: clinical testing. Allele origin: germline.

GeneDx
Classification: Uncertain significance. Last evaluated: 2022-02-04. Review status: criteria provided, single submitter. Criteria: GeneDx Variant Classification Process June 2021. Collection method: clinical testing. Allele origin: germline. Affected: yes.
Comment: Canonical splice site variant expected to result in aberrant splicing, although in the absence of functional evidence the actual effect of this sequence change is unknown; Has not been previously published as pathogenic or benign to our knowledge

Literature cited by the submitters: PubMed 16199547 (cited by Labcorp Genetics (formerly Invitae), Labcorp); PubMed 19896112 (cited by Labcorp Genetics (formerly Invitae), Labcorp); PubMed 21827697 (cited by Labcorp Genetics (formerly Invitae), Labcorp); PubMed 25045150 (cited by Labcorp Genetics (formerly Invitae), Labcorp); PubMed 26843181 (cited by Labcorp Genetics (formerly Invitae), Labcorp); PubMed 27439707 (cited by Labcorp Genetics (formerly Invitae), Labcorp).